The following is an entry in ClinVar:

ClinVar aggregate classification (germline): Uncertain significance (1 of 4 stars; one submission).

gnomAD v4.1: 2 of 1,613,340 alleles (0.00012%); highest among the groups gnomAD compares: Admixed American, 0.0017%; no homozygotes.

Submission:

Women's Health and Genetics/Laboratory Corporation of America, LabCorp
Classification: Uncertain significance. Last evaluated: 2024-08-07. Review status: criteria provided, single submitter. Criteria: LabCorp Variant Classification Summary - May 2015. Collection method: clinical testing. Allele origin: germline.
Comment: Variant summary: EFTUD2 c.2561+6C>T alters a conserved nucleotide located close to a canonical splice site and therefore could affect mRNA splicing, leading to a significantly altered protein sequence. Consensus agreement among computation tools predict no significant impact on normal splicing. However, these predictions have yet to be confirmed by functional studies. The variant allele was found at a frequency of 4e-06 in 250202 control chromosomes. The available data on variant occurrences in the general population are insufficient to allow any conclusion about variant significance. To our knowledge, no occurrence of c.2561+6C>T in individuals affected with Mandibulofacial Dysostosis-Microcephaly Syndrome and no experimental evidence demonstrating its impact on protein function have been reported. No submitters have cited clinical-significance assessments for this variant to ClinVar. Based on the evidence outlined above, the variant was classified as uncertain significance.

NM_004247.4(EFTUD2):c.2561+6C>T

Gene: EFTUD2 (elongation factor Tu GTP binding domain containing 2; minus strand). Cytogenetic location: 17q21.31.
Variant type: single nucleotide variant.
Coding change: c.2561+6C>T on transcript NM_004247.4 (MANE Select); 6 bases into the intron after coding-DNA position 2561, C replaced by T.
Molecular consequence: intron variant.
Genome position (GRCh38, 1-based): chr17:44,853,290, G>A on the plus strand (C>T on the coding strand, the complement: EFTUD2 is on the minus strand). VCF-style: chr17-44853290-G-A. GRCh37 (hg19) VCF-style: chr17-42930658-G-A.
Other names: c.2456+6C>T (NM_001142605.2); c.2531+6C>T (NM_001258354.2); c.2561+6C>T (NM_001258353.2).
Identifiers: ClinVar variation 3366419 (VCV003366419.1).